The following is an entry in ClinVar:

NM_001386298.1(CIC):c.1397C>T (p.Pro466Leu)

Gene: CIC (capicua transcriptional repressor; plus strand). Cytogenetic location: 19q13.2.
Variant type: single nucleotide variant.
Coding change: c.1397C>T on transcript NM_001386298.1 (MANE Select); coding-DNA position 1397, C replaced by T.
Protein change: p.Pro466Leu; replaces proline 466 with leucine.
Molecular consequence: missense variant.
Genome position (GRCh38, 1-based): chr19:42,273,180, C>T. VCF-style: chr19-42273180-C-T. GRCh37 (hg19) VCF-style: chr19-42777332-C-T.
Other names: c.1397C>T, p.Pro466Leu (NM_001304815.2, NM_001379480.1, NM_001379482.1 and 6 more transcripts); short protein forms P466L.
Identifiers: ClinVar variation 2627303 (VCV002627303.1), dbSNP rs912705630, ClinGen allele CA308615241.

ClinVar aggregate classification (germline): Uncertain significance (1 of 4 stars; one submission).

Allele frequency attached by ClinVar (database versions not stated): gnomAD exomes 0.00003; TOPMed 0.00002; gnomAD 0.00001.
gnomAD v4.1: 11 of 398,672 alleles (0.0028%); highest among the groups gnomAD compares: Non-Finnish European, 0.0031%; no homozygotes.

Submission:

Women's Health and Genetics/Laboratory Corporation of America, LabCorp
Classification: Uncertain significance. Last evaluated: 2023-09-22. Review status: criteria provided, single submitter. Criteria: LabCorp Variant Classification Summary - May 2015. Collection method: clinical testing. Allele origin: germline.
Comment: Variant summary: CIC c.-11525C>T is located in the untranscribed region upstream of the CIC gene region. The variant allele was found at a frequency of 1.3e-05 in 150966 control chromosomes (i.e., 2 heterozygotes; gnomAD v3.1.2). The available data on variant occurrences in the general population are insufficient to allow any conclusion about variant significance. To our knowledge, no occurrence of c.-11525C>T in individuals affected with Mental Retardation, Autosomal Dominant 45 and no experimental evidence demonstrating its impact on protein function have been reported. No submitters have reported clinical-significance assessments for this variant to ClinVar after 2014. Based on the evidence outlined above, the variant was classified as uncertain significance.